The following is an entry in ClinVar:

NM_006846.4(SPINK5):c.382A>T (p.Asn128Tyr)

Gene: SPINK5 (serine peptidase inhibitor Kazal type 5; plus strand). Cytogenetic location: 5q32.
Variant type: single nucleotide variant.
Coding change: c.382A>T on transcript NM_006846.4 (MANE Select); coding-DNA position 382, A replaced by T.
Protein change: p.Asn128Tyr; replaces asparagine 128 with tyrosine.
Molecular consequence: missense variant.
Genome position (GRCh38, 1-based): chr5:148,086,504, A>T. VCF-style: chr5-148086504-A-T. GRCh37 (hg19) VCF-style: chr5-147466067-A-T.
Other names: c.382A>T, p.Asn128Tyr (NM_001127698.2, NM_001127699.2); short protein forms N128Y.
Identifiers: ClinVar variation 1005258 (VCV001005258.9), dbSNP rs1753157802, ClinGen allele CA361890040.
Genomic context (GRCh38, chr5:148,086,504, plus strand): 5'-GATTTTATCTGTCCTGATTATTATGAAGCTGTTTGTGGCACAGATGGGAAAACATATGAC[A>T]ACAGATGTGCACTGTGTGCTGAGAATGCGTGAGTATTCTCTGAAGTAGGCTTTCTCCCTA-3'
Protein context (NP_006837.2, residues 118-138): VCGTDGKTYD[Asn128Tyr]RCALCAENAK

ClinVar aggregate classification (germline): Uncertain significance (1 of 4 stars; one submission).

Conditions:
Ichthyosis linearis circumflexa. Identifiers: MedGen C0265962, MONDO:0043106, HP:0025810.

Submission:

Labcorp Genetics (formerly Invitae), Labcorp
Classification: Uncertain significance for Ichthyosis linearis circumflexa. Last evaluated: 2022-03-19. Review status: criteria provided, single submitter. Criteria: Invitae Variant Classification Sherloc (09022015). Collection method: clinical testing. Allele origin: germline.
Comment: ClinVar contains an entry for this variant (Variation ID: 1005258). Algorithms developed to predict the effect of missense changes on protein structure and function are either unavailable or do not agree on the potential impact of this missense change (SIFT: "Deleterious"; PolyPhen-2: "Possibly Damaging"; Align-GVGD: "Class C0"). In summary, the available evidence is currently insufficient to determine the role of this variant in disease. Therefore, it has been classified as a Variant of Uncertain Significance. This variant has not been reported in the literature in individuals affected with SPINK5-related conditions. This sequence change replaces asparagine, which is neutral and polar, with tyrosine, which is neutral and polar, at codon 128 of the SPINK5 protein (p.Asn128Tyr). This variant is not present in population databases (gnomAD no frequency).